The following is an entry in ClinVar:

ClinVar aggregate classification (germline): Likely benign. Review status: criteria provided, multiple submitters, no conflicts (2 of 4 stars). 3 submissions from 3 submitters: Likely benign (3). Last evaluated 2026-02-02.

Conditions:
Generalized epilepsy with febrile seizures plus, type 7 (GEFSP7). Also called: GEFS+, TYPE 7. Identifiers: Orphanet 36387, MedGen C2751778, MONDO:0013470, OMIM 613863.
Neuropathy, hereditary sensory and autonomic, type 2A (HSAN2A). Also called: NEUROPATHY, CONGENITAL SENSORY; NEUROPATHY, HEREDITARY SENSORY RADICULAR, AUTOSOMAL RECESSIVE; NEUROPATHY, HEREDITARY SENSORY, TYPE IIA; NEUROPATHY, PROGRESSIVE SENSORY, OF CHILDREN; ACROOSTEOLYSIS, GIACCAI TYPE; ACROOSTEOLYSIS, NEUROGENIC. Identifiers: Orphanet 970, MedGen C2752089, MONDO:0024309, OMIM 201300.

Allele frequency attached by ClinVar (database versions not stated): ExAC below 0.00001.
gnomAD v4.1: 3 of 1,429,812 alleles (0.00021%); highest among the groups gnomAD compares: Non-Finnish European, 0.00029%; no homozygotes.

Submissions (3):

Labcorp Genetics (formerly Invitae), Labcorp
Classification: Likely benign for Neuropathy, hereditary sensory and autonomic, type 2A; Generalized epilepsy with febrile seizures plus, type 7. Last evaluated: 2026-02-02. Review status: criteria provided, single submitter. Criteria: Invitae Variant Classification Sherloc (09022015). Collection method: clinical testing. Allele origin: germline.

Blueprint Genetics
Classification: Likely benign. Last evaluated: 2023-05-05. Review status: criteria provided, single submitter. Criteria: ACMG Guidelines, 2015. Collection method: clinical testing. Allele origin: germline.

GeneDx
Classification: Likely benign. Last evaluated: 2017-07-20. Review status: criteria provided, single submitter. Criteria: GeneDx Variant Classification (06012015). Collection method: clinical testing. Allele origin: germline. Affected: yes.
Comment: This variant is considered likely benign or benign based on one or more of the following criteria: it is a conservative change, it occurs at a poorly conserved position in the protein, it is predicted to be benign by multiple in silico algorithms, and/or has population frequency not consistent with disease.

NM_001365536.1(SCN9A):c.3351+15T>C

Genes: SCN1A-AS1 (SCN1A and SCN9A antisense RNA 1; plus strand), SCN9A (sodium voltage-gated channel alpha subunit 9; minus strand). Cytogenetic location: 2q24.3.
Variant type: single nucleotide variant.
Coding change: c.3351+15T>C on transcript NM_001365536.1 (MANE Select); 15 bases into the intron after coding-DNA position 3351, T replaced by C.
Molecular consequence: intron variant.
Genome position (GRCh38, 1-based): chr2:166,272,384, A>G on the plus strand (T>C on the coding strand, the complement: SCN9A is on the minus strand). VCF-style: chr2-166272384-A-G. GRCh37 (hg19) VCF-style: chr2-167128894-A-G.
Other names: c.3318+15T>C (NM_002977.4).
Identifiers: ClinVar variation 510831 (VCV000510831.7), dbSNP rs763278343, ClinGen allele CA1944088.
Genomic context (GRCh38, chr2:166,272,384, plus strand): 5'-AATAGAAATATGAAATTTTCATTCATTTCATACTAATTGTTAATATGAAACACAAAGTAT[A>G]TGAAGCATTCTTACCACTTTGCTGTATTCACTATCCGAATCACTGCTAAGTTCCTCAGCA-3'